The following is an entry in ClinVar:

ClinVar aggregate classification (germline): Uncertain significance (1 of 4 stars; one submission).

Conditions:
Malignant hyperthermia, susceptibility to, 5 (MHS5). Also called: CACNA1S-Related Malignant Hyperthermia Susceptibility. Identifiers: Orphanet 423, MedGen C1866077, MONDO:0011163, OMIM 601887.

gnomAD v4.1: 4 of 1,612,832 alleles (0.00025%); highest among the groups gnomAD compares: Non-Finnish European, 0.00034%; no homozygotes.

Submission:

Color Diagnostics, LLC DBA Color Health
Classification: Uncertain significance for Malignant hyperthermia, susceptibility to, 5. Last evaluated: 2025-07-20. Review status: criteria provided, single submitter. Criteria: ACMG Guidelines, 2015. Collection method: clinical testing. Allele origin: germline.
Comment: This missense variant replaces asparagine with lysine at codon 307 of the CACNA1S protein. Computational prediction is inconclusive regarding the impact of this variant on protein structure and function. To our knowledge, functional studies have not been reported for this variant. This variant has not been reported in individuals affected with CACNA1S-related disorders in the literature. This variant has been identified in 3/250604 chromosomes in the general population by the Genome Aggregation Database (gnomAD). The available evidence is insufficient to determine the role of this variant in disease conclusively. Therefore, this variant is classified as a Variant of Uncertain Significance.

NM_000069.3(CACNA1S):c.921T>A (p.Asn307Lys)

Gene: CACNA1S (calcium voltage-gated channel subunit alpha1 S; minus strand). Cytogenetic location: 1q32.1.
Variant type: single nucleotide variant.
Coding change: c.921T>A on transcript NM_000069.3 (MANE Select); coding-DNA position 921, T replaced by A.
Protein change: p.Asn307Lys; replaces asparagine 307 with lysine.
Molecular consequence: missense variant.
Genome position (GRCh38, 1-based): chr1:201,087,909, A>T on the plus strand (T>A on the coding strand, the complement: CACNA1S is on the minus strand). VCF-style: chr1-201087909-A-T. GRCh37 (hg19) VCF-style: chr1-201057037-A-T.
Other names: short protein forms N307K.
Identifiers: ClinVar variation 4757727 (VCV004757727.1).